The following is an entry in ClinVar:

NM_015910.7(WDPCP):c.596A>G (p.Asn199Ser)

Gene: WDPCP (WD repeat containing planar cell polarity effector; minus strand). Cytogenetic location: 2p15.
Variant type: single nucleotide variant.
Coding change: c.596A>G on transcript NM_015910.7 (MANE Select); coding-DNA position 596, A replaced by G.
Protein change: p.Asn199Ser; replaces asparagine 199 with serine.
Molecular consequence: missense variant. On other transcripts: non-coding transcript variant (3).
Genome position (GRCh38, 1-based): chr2:63,437,458, T>C on the plus strand (A>G on the coding strand, the complement: WDPCP is on the minus strand). VCF-style: chr2-63437458-T-C. GRCh37 (hg19) VCF-style: chr2-63664592-T-C.
Other names: c.119A>G, p.Asn40Ser (NM_001042692.3); c.524A>G, p.Asn175Ser (NM_001354044.2); c.596A>G, p.Asn199Ser (NM_001354045.2); short protein forms N175S, N199S, N40S.
Identifiers: ClinVar variation 2634809 (VCV002634809.2), dbSNP rs755986494, ClinGen allele CA1682406.

ClinVar aggregate classification (germline): Uncertain significance (1 of 4 stars; one submission).

Conditions:
WDPCP-related disorder. Also called: WDPCP-related condition.

Allele frequency attached by ClinVar (database versions not stated): ExAC 0.00002; gnomAD 0.00002; gnomAD exomes 0.00002; TOPMed 0.00002.
gnomAD v4.1: 38 of 1,604,348 alleles (0.0024%); highest among the groups gnomAD compares: Non-Finnish European, 0.0029%; no homozygotes.

Submission:

PreventionGenetics, part of Exact Sciences
Classification: Uncertain significance for WDPCP-related condition. Last evaluated: 2026-05-10. Review status: criteria provided, single submitter. Criteria: ACMG Guidelines, 2015. Collection method: clinical testing. Allele origin: germline.
Comment: The WDPCP c.596A>G variant is predicted to result in the amino acid substitution p.Asn199Ser. To our knowledge, this variant has not been reported in the literature. This variant is reported in 0.0042% of alleles in individuals of African descent in gnomAD. At this time, the clinical significance of this variant is uncertain due to the absence of conclusive functional and genetic evidence.